The following is an entry in ClinVar:

ClinVar aggregate classification (germline): Uncertain significance (1 of 4 stars; one submission).

Allele frequency attached by ClinVar (database versions not stated): gnomAD exomes below 0.00001.
gnomAD v4.1: 4 of 1,613,626 alleles (0.00025%); highest among the groups gnomAD compares: Non-Finnish European, 0.00034%; no homozygotes.

Submission:

Labcorp Genetics (formerly Invitae), Labcorp
Classification: Uncertain significance. Last evaluated: 2022-05-17. Review status: criteria provided, single submitter. Criteria: Invitae Variant Classification Sherloc (09022015). Collection method: clinical testing. Allele origin: germline.
Comment: This sequence change replaces isoleucine, which is neutral and non-polar, with valine, which is neutral and non-polar, at codon 812 of the PRPF6 protein (p.Ile812Val). This variant is not present in population databases (gnomAD no frequency). This variant has not been reported in the literature in individuals affected with PRPF6-related conditions. Algorithms developed to predict the effect of missense changes on protein structure and function output the following: SIFT: "Tolerated"; PolyPhen-2: "Benign"; Align-GVGD: "Class C0". The valine amino acid residue is found in multiple mammalian species, which suggests that this missense change does not adversely affect protein function. In summary, the available evidence is currently insufficient to determine the role of this variant in disease. Therefore, it has been classified as a Variant of Uncertain Significance.

NM_012469.4(PRPF6):c.2434A>G (p.Ile812Val)

Gene: PRPF6 (pre-mRNA processing factor 6; plus strand). Cytogenetic location: 20q13.33.
Variant type: single nucleotide variant.
Coding change: c.2434A>G on transcript NM_012469.4 (MANE Select); coding-DNA position 2434, A replaced by G.
Protein change: p.Ile812Val; replaces isoleucine 812 with valine.
Molecular consequence: missense variant.
Genome position (GRCh38, 1-based): chr20:64,029,379, A>G. VCF-style: chr20-64029379-A-G. GRCh37 (hg19) VCF-style: chr20-62660732-A-G.
Other names: short protein forms I812V.
Identifiers: ClinVar variation 2132421 (VCV002132421.4), dbSNP rs1601534254, ClinGen allele CA409743232.